The following is an entry in ClinVar:

NM_001201427.2(DAAM2):c.2342-10C>T

Genes: DAAM2 (dishevelled associated activator of morphogenesis 2; plus strand), DAAM2-AS1 (DAAM2 antisense RNA 1; minus strand). Cytogenetic location: 6p21.2.
Variant type: single nucleotide variant.
Coding change: c.2342-10C>T on transcript NM_001201427.2 (MANE Select); 10 bases into the intron before coding-DNA position 2342, C replaced by T.
Molecular consequence: intron variant.
Genome position (GRCh38, 1-based): chr6:39,896,802, C>T. VCF-style: chr6-39896802-C-T. GRCh37 (hg19) VCF-style: chr6-39864578-C-T.
Other names: c.2342-10C>T (NM_015345.4).
Identifiers: ClinVar variation 3042452 (VCV003042452.2), dbSNP rs368625687, ClinGen allele CA3795269.

ClinVar aggregate classification (germline): Likely benign (0 of 4 stars; one submission).

Conditions:
DAAM2-related disorder. Also called: DAAM2-related condition.

Allele frequency attached by ClinVar (database versions not stated): gnomAD exomes 0.00008; 1000 Genomes Project 30x 0.00016; 1000 Genomes Project 0.00020; ExAC 0.00023; ESP Exome Variant Server 0.00064; gnomAD 0.00064; TOPMed 0.00085.
gnomAD v4.1: 237 of 1,580,710 alleles (0.015%); highest among the groups gnomAD compares: African/African-American, 0.25%; 1 homozygote.

Submission:

PreventionGenetics, part of Exact Sciences
Classification: Likely benign for DAAM2-related condition. Last evaluated: 2019-06-19. Review status: no assertion criteria provided. Collection method: clinical testing. Allele origin: germline.
Comment: This variant is classified as likely benign based on ACMG/AMP sequence variant interpretation guidelines (Richards et al. 2015 PMID: 25741868, with internal and published modifications).